The following is an entry in ClinVar:

ClinVar aggregate classification (germline): Uncertain significance (1 of 4 stars; one submission).

gnomAD v4.1: 44 of 1,614,046 alleles (0.0027%); highest among the groups gnomAD compares: Admixed American, 0.023%; no homozygotes.

Submission:

Labcorp Genetics (formerly Invitae), Labcorp
Classification: Uncertain significance. Last evaluated: 2025-05-27. Review status: criteria provided, single submitter. Criteria: Invitae Variant Classification Sherloc (09022015). Collection method: clinical testing. Allele origin: germline.
Comment: This sequence change replaces arginine, which is basic and polar, with glutamine, which is neutral and polar, at codon 639 of the SORL1 protein (p.Arg639Gln). This variant is present in population databases (rs200869993, gnomAD 0.02%). This variant has not been reported in the literature in individuals affected with SORL1-related conditions. ClinVar contains an entry for this variant (Variation ID: 3712446). An algorithm developed to predict the effect of missense changes on protein structure and function (PolyPhen-2) suggests that this variant is likely to be disruptive. In summary, the available evidence is currently insufficient to determine the role of this variant in disease. Therefore, it has been classified as a Variant of Uncertain Significance.

NM_003105.6(SORL1):c.1916G>A (p.Arg639Gln)

Gene: SORL1 (sortilin related receptor 1; plus strand). Cytogenetic location: 11q24.1.
Variant type: single nucleotide variant.
Coding change: c.1916G>A on transcript NM_003105.6 (MANE Select); coding-DNA position 1916, G replaced by A.
Protein change: p.Arg639Gln; replaces arginine 639 with glutamine.
Molecular consequence: missense variant.
Genome position (GRCh38, 1-based): chr11:121,545,294, G>A. VCF-style: chr11-121545294-G-A. GRCh37 (hg19) VCF-style: chr11-121416003-G-A.
Other names: short protein forms R639Q.
Identifiers: ClinVar variation 3712446 (VCV003712446.2).